The following is an entry in ClinVar:

ClinVar aggregate classification (germline): Likely pathogenic (1 of 4 stars; one submission).

Conditions:
Amelocerebrohypohidrotic syndrome (KTZS). Also called: Kohlschutter's syndrome; EPILEPSY AND YELLOW TEETH; EPILEPSY, DEMENTIA, AND AMELOGENESIS IMPERFECTA; KOHLSCHUTTER SYNDROME. Identifiers: Orphanet 1946, MedGen C0406740, MONDO:0009185, OMIM 226750.

Allele frequency attached by ClinVar (database versions not stated): gnomAD exomes below 0.00001; TOPMed below 0.00001.
gnomAD v4.1: 2 of 1,594,070 alleles (0.00013%); highest among the groups gnomAD compares: Admixed American, 0.0018%; no homozygotes.

Submission:

Labcorp Genetics (formerly Invitae), Labcorp
Classification: Likely pathogenic for Amelocerebrohypohidrotic syndrome. Last evaluated: 2023-02-11. Review status: criteria provided, single submitter. Criteria: Invitae Variant Classification Sherloc (09022015). Collection method: clinical testing. Allele origin: germline.
Comment: This variant is not present in population databases (gnomAD no frequency). This sequence change affects an acceptor splice site in intron 2 of the ROGDI gene. It is expected to disrupt RNA splicing. Variants that disrupt the donor or acceptor splice site typically lead to a loss of protein function (PMID: 16199547), and loss-of-function variants in ROGDI are known to be pathogenic (PMID: 22424600, 23086778). This variant has not been reported in the literature in individuals affected with ROGDI-related conditions. In summary, the currently available evidence indicates that the variant is pathogenic, but additional data are needed to prove that conclusively. Therefore, this variant has been classified as Likely Pathogenic. Algorithms developed to predict the effect of sequence changes on RNA splicing suggest that this variant may disrupt the consensus splice site.

Literature cited by the submitters: PubMed 16199547; PubMed 22424600; PubMed 23086778.

NM_024589.3(ROGDI):c.118-2A>C

Gene: ROGDI (rogdi atypical leucine zipper; minus strand). Cytogenetic location: 16p13.3.
Variant type: single nucleotide variant.
Coding change: c.118-2A>C on transcript NM_024589.3 (MANE Select); the canonical splice acceptor site of the intron before coding-DNA position 118, A replaced by C.
Molecular consequence: splice acceptor variant.
Genome position (GRCh38, 1-based): chr16:4,801,587, T>G on the plus strand (A>C on the coding strand, the complement: ROGDI is on the minus strand). VCF-style: chr16-4801587-T-G. GRCh37 (hg19) VCF-style: chr16-4851588-T-G.
Identifiers: ClinVar variation 2820702 (VCV002820702.3), dbSNP rs1060502981, ClinGen allele CA394655552.